The following is an entry in ClinVar:

ClinVar aggregate classification (germline): Uncertain significance (1 of 4 stars; one submission).

Submission:

Labcorp Genetics (formerly Invitae), Labcorp
Classification: Uncertain significance. Last evaluated: 2025-09-29. Review status: criteria provided, single submitter. Criteria: Invitae Variant Classification Sherloc (09022015). Collection method: clinical testing. Allele origin: germline.
Comment: This sequence change replaces alanine, which is neutral and non-polar, with aspartic acid, which is acidic and polar, at codon 1061 of the POLE protein (p.Ala1061Asp). This variant is not present in population databases (gnomAD no frequency). This variant has not been reported in the literature in individuals affected with POLE-related conditions. ClinVar contains an entry for this variant (Variation ID: 1966330). Invitae Evidence Modeling of protein sequence and biophysical properties (such as structural, functional, and spatial information, amino acid conservation, physicochemical variation, residue mobility, and thermodynamic stability) indicates that this missense variant is expected to disrupt POLE protein function with a positive predictive value of 80%. In summary, the available evidence is currently insufficient to determine the role of this variant in disease. Therefore, it has been classified as a Variant of Uncertain Significance.

NM_006231.4(POLE):c.3182C>A (p.Ala1061Asp)

Gene: POLE (DNA polymerase epsilon, catalytic subunit; minus strand). Cytogenetic location: 12q24.33.
Variant type: single nucleotide variant.
Coding change: c.3182C>A on transcript NM_006231.4 (MANE Select); coding-DNA position 3182, C replaced by A.
Protein change: p.Ala1061Asp; replaces alanine 1061 with aspartic acid.
Molecular consequence: missense variant.
Genome position (GRCh38, 1-based): chr12:132,659,388, G>T on the plus strand (C>A on the coding strand, the complement: POLE is on the minus strand). VCF-style: chr12-132659388-G-T. GRCh37 (hg19) VCF-style: chr12-133235974-G-T.
Other names: short protein forms A1061D.
Identifiers: ClinVar variation 1966330 (VCV001966330.5), dbSNP rs2138676241, ClinGen allele CA387390725.